The following is an entry in ClinVar:

NM_000216.4(ANOS1):c.488G>A (p.Cys163Tyr)

Gene: ANOS1 (anosmin 1; minus strand). Cytogenetic location: Xp22.31.
Variant type: single nucleotide variant.
Coding change: c.488G>A on transcript NM_000216.4 (MANE Select); coding-DNA position 488, G replaced by A.
Protein change: p.Cys163Tyr; replaces cysteine 163 with tyrosine.
Molecular consequence: missense variant.
Genome position (GRCh38, 1-based): chrX:8,597,087, C>T on the plus strand (G>A on the coding strand, the complement: ANOS1 is on the minus strand). VCF-style: chrX-8597087-C-T. GRCh37 (hg19) VCF-style: chrX-8565128-C-T.
Other names: short protein forms C163Y.
Identifiers: ClinVar variation 2503147 (VCV002503147.1), dbSNP rs2518500156, ClinGen allele CA412024906.

ClinVar aggregate classification (germline): Likely pathogenic (1 of 4 stars; one submission).

Submission:

GeneDx
Classification: Likely pathogenic. Last evaluated: 2022-11-29. Review status: criteria provided, single submitter. Criteria: GeneDx Variant Classification Process June 2021. Collection method: clinical testing. Allele origin: germline. Affected: yes.
Comment: Not observed at significant frequency in large population cohorts (gnomAD); In silico analysis supports that this missense variant has a deleterious effect on protein structure/function; This variant is associated with the following publications: (PMID: 15001591)